The following is an entry in ClinVar:

NM_006514.4(SCN10A):c.950+4A>G

Gene: SCN10A (sodium voltage-gated channel alpha subunit 10; minus strand). Cytogenetic location: 3p22.2.
Variant type: single nucleotide variant.
Coding change: c.950+4A>G on transcript NM_006514.4 (MANE Select); 4 bases into the intron after coding-DNA position 950, A replaced by G.
Molecular consequence: intron variant.
Genome position (GRCh38, 1-based): chr3:38,760,677, T>C on the plus strand (A>G on the coding strand, the complement: SCN10A is on the minus strand). VCF-style: chr3-38760677-T-C. GRCh37 (hg19) VCF-style: chr3-38802168-T-C.
Other names: c.950+4A>G (NM_001293307.2, NM_001293306.2).
Identifiers: ClinVar variation 1767190 (VCV001767190.5), dbSNP rs2063859088, ClinGen allele CA1047012037.
Genomic context (GRCh38, chr3:38,760,677, plus strand): 5'-GCCAAGGACAAGATGGAGAAGGAATTGTTGGGCACTCGTGCTTTGTCATAAGTTGGGAAC[T>C]CACCCTGAGTCAGATCCATTGCCACACAGTAAGGGGTCAGAAGTGCCTCGCTTATTTATG-3'

ClinVar aggregate classification (germline): Uncertain significance. Review status: criteria provided, multiple submitters, no conflicts (2 of 4 stars). 2 submissions from 2 submitters: Uncertain significance (2). Last evaluated 2024-03-22.

Conditions:
Brugada syndrome. Also called: Sudden unexpected nocturnal death syndrome; Sudden Unexplained Death Syndrome; Sudden Unexplained Nocturnal Death Syndrome (SUNDS); Sudden unexplained nocturnal death syndrome. Identifiers: Orphanet 130, MedGen C1142166, MONDO:0015263.
Cardiovascular phenotype. Identifiers: MedGen CN230736.

Allele frequency attached by ClinVar (database versions not stated): gnomAD exomes below 0.00001; TOPMed below 0.00001.

Submissions (2):

Ambry Genetics
Classification: Uncertain significance for Cardiovascular phenotype. Last evaluated: 2024-03-22. Review status: criteria provided, single submitter. Criteria: Ambry Variant Classification Scheme 2023. Collection method: clinical testing. Allele origin: germline.
Comment: The c.950+4A>G intronic variant results from an A to G substitution 4 nucleotides after coding exon 7 in the SCN10A gene. This nucleotide position is highly conserved in available vertebrate species. In silico splice site analysis predicts that this alteration will weaken the native splice donor site. The evidence for this gene-disease relationship is limited; therefore, the clinical significance of this alteration is unclear.

Labcorp Genetics (formerly Invitae), Labcorp
Classification: Uncertain significance for Brugada syndrome. Last evaluated: 2022-03-10. Review status: criteria provided, single submitter. Criteria: Invitae Variant Classification Sherloc (09022015). Collection method: clinical testing. Allele origin: germline.
Comment: This sequence change falls in intron 7 of the SCN10A gene. It does not directly change the encoded amino acid sequence of the SCN10A protein. It affects a nucleotide within the consensus splice site. This variant is not present in population databases (gnomAD no frequency). This variant has not been reported in the literature in individuals affected with SCN10A-related conditions. Variants that disrupt the consensus splice site are a relatively common cause of aberrant splicing (PMID: 17576681, 9536098). Algorithms developed to predict the effect of sequence changes on RNA splicing suggest that this variant may disrupt the consensus splice site. In summary, the available evidence is currently insufficient to determine the role of this variant in disease. Therefore, it has been classified as a Variant of Uncertain Significance.

Literature cited by the submitters: PubMed 17576681 (cited by Labcorp Genetics (formerly Invitae), Labcorp); PubMed 9536098 (cited by Labcorp Genetics (formerly Invitae), Labcorp).